The following is an entry in ClinVar:

NM_017547.4(FOXRED1):c.50G>A (p.Arg17Gln)

Genes: FOXRED1 (FAD dependent oxidoreductase domain containing 1; plus strand), LOC130007026 (ATAC-STARR-seq lymphoblastoid active region 5705; plus strand). Cytogenetic location: 11q24.2.
Variant type: single nucleotide variant.
Coding change: c.50G>A on transcript NM_017547.4 (MANE Select); coding-DNA position 50, G replaced by A.
Protein change: p.Arg17Gln; replaces arginine 17 with glutamine.
Molecular consequence: missense variant. On other transcripts: non-coding transcript variant (2).
Genome position (GRCh38, 1-based): chr11:126,269,256, G>A. VCF-style: chr11-126269256-G-A. GRCh37 (hg19) VCF-style: chr11-126139151-G-A.
Other names: short protein forms R17Q.
Identifiers: ClinVar variation 1722932 (VCV001722932.8), dbSNP rs148692707, ClinGen allele CA6353927.

ClinVar aggregate classification (germline): Uncertain significance. Review status: criteria provided, multiple submitters, no conflicts (2 of 4 stars). 5 submissions from 5 submitters: Uncertain significance (5). Last evaluated 2022-12-07.

Conditions:
Inborn genetic diseases. Identifiers: MedGen C0950123, MeSH D030342.
Mitochondrial complex I deficiency, nuclear type 19. Also called: Mitochondrial complex 1 deficiency, nuclear type 19. Identifiers: MedGen C4748791, MONDO:0032624, OMIM 618241.

Allele frequency attached by ClinVar (database versions not stated): gnomAD 0.00003; TOPMed 0.00004; gnomAD exomes 0.00005; ExAC 0.00006; 1000 Genomes Project 30x 0.00016; 1000 Genomes Project 0.00020.

Submissions (5):

Revvity Omics, Revvity
Classification: Uncertain significance for Mitochondrial complex I deficiency, nuclear type 19. Last evaluated: 2022-12-07. Review status: criteria provided, single submitter. Criteria: ACMG Guidelines, 2015. Collection method: clinical testing. Allele origin: germline.

GeneDx
Classification: Uncertain significance. Last evaluated: 2022-11-02. Review status: criteria provided, single submitter. Criteria: GeneDx Variant Classification Process June 2021. Collection method: clinical testing. Allele origin: germline. Affected: yes.
Comment: Not observed at significant frequency in large population cohorts (gnomAD); In silico analysis supports that this missense variant does not alter protein structure/function; Has not been previously published as pathogenic or benign to our knowledge

Baylor Genetics
Classification: Uncertain significance for Mitochondrial complex I deficiency, nuclear type 19. Last evaluated: 2022-06-14. Review status: criteria provided, single submitter. Criteria: ACMG Guidelines, 2015. Collection method: clinical testing. Allele origin: unknown.

Labcorp Genetics (formerly Invitae), Labcorp
Classification: Uncertain significance. Last evaluated: 2021-12-18. Review status: criteria provided, single submitter. Criteria: Invitae Variant Classification Sherloc (09022015). Collection method: clinical testing. Allele origin: germline.
Comment: This sequence change replaces arginine, which is basic and polar, with glutamine, which is neutral and polar, at codon 17 of the FOXRED1 protein (p.Arg17Gln). This variant is present in population databases (rs148692707, gnomAD 0.01%). This variant has not been reported in the literature in individuals affected with FOXRED1-related conditions. Advanced modeling of protein sequence and biophysical properties (such as structural, functional, and spatial information, amino acid conservation, physicochemical variation, residue mobility, and thermodynamic stability) performed at Invitae indicates that this missense variant is not expected to disrupt FOXRED1 protein function. Algorithms developed to predict the effect of sequence changes on RNA splicing suggest that this variant may create or strengthen a splice site. In summary, the available evidence is currently insufficient to determine the role of this variant in disease. Therefore, it has been classified as a Variant of Uncertain Significance.

Ambry Genetics
Classification: Uncertain significance for Inborn genetic diseases. Last evaluated: 2021-09-27. Review status: criteria provided, single submitter. Criteria: Ambry Variant Classification Scheme 2023. Collection method: clinical testing. Allele origin: germline.